The following is an entry in ClinVar:

NM_001018005.2(TPM1):c.423G>C (p.Met141Ile)

Gene: TPM1 (tropomyosin 1; plus strand). Cytogenetic location: 15q22.2.
Variant type: single nucleotide variant.
Coding change: c.423G>C on transcript NM_001018005.2 (MANE Select); coding-DNA position 423, G replaced by C.
Protein change: p.Met141Ile; replaces methionine 141 with isoleucine.
Molecular consequence: missense variant.
Genome position (GRCh38, 1-based): chr15:63,059,611, G>C. VCF-style: chr15-63059611-G-C. GRCh37 (hg19) VCF-style: chr15-63351810-G-C.
Other names: c.423G>C, p.Met141Ile (NM_000366.6, NM_001018004.2, NM_001018006.2 and 6 more transcripts); c.315G>C, p.Met105Ile (NM_001018008.2, NM_001301289.2, NM_001330344.2 and 5 more transcripts); c.549G>C, p.Met183Ile (NM_001365778.1); short protein forms M141I, M183I, M105I.
Identifiers: ClinVar variation 43417 (VCV000043417.5), dbSNP rs397516371, ClinGen allele CA018027.

ClinVar aggregate classification (germline): Likely pathogenic (1 of 4 stars; one submission).

Conditions:
Primary dilated cardiomyopathy (DCM). Also called: Dilated Cardiomyopathy. Identifiers: Orphanet 217604, MedGen C0007193, MeSH D002311, MONDO:0005021, HP:0001644. Inheritance: Various modes of inheritance.

Submission:

Laboratory for Molecular Medicine, Mass General Brigham Personalized Medicine
Classification: Likely pathogenic for Primary dilated cardiomyopathy. Last evaluated: 2012-01-06. Review status: criteria provided, single submitter. Criteria: LMM Criteria. Collection method: clinical testing. Allele origin: germline. Observed: 1 variant allele.
Comment: Consistent wit h this, methionine (Met) at position 141 is conserved across evolutionary distan t species, suggesting that a change would not be tolerated.